The following is an entry in ClinVar:

ClinVar aggregate classification (germline): Likely pathogenic (1 of 4 stars; one submission).

Conditions:
Junctional epidermolysis bullosa. Identifiers: Orphanet 305, MedGen C0079301, MONDO:0017612.

Submission:

Myriad Genetics, Inc.
Classification: Likely pathogenic for Junctional epidermolysis bullosa. Last evaluated: 2021-12-31. Review status: criteria provided, single submitter. Criteria: Myriad Autosomal Dominant, Autosomal Recessive and X-Linked Classification Criteria (2023). Collection method: clinical testing. Allele origin: unknown.
Comment: NM_000228.2(LAMB3):c.378delC(M127Cfs*6) is expected to be pathogenic in the context of junctional epidermolysis bullosa, LAMB3-related. This variant is predicted to lead to an abnormal or absent protein product due to the creation of a premature termination codon in LAMB3, a gene where loss-of-function variants are known to be pathogenic. Please note: this variant was assessed in the context of healthy population screening.

NM_000228.3(LAMB3):c.378del (p.Met127fs)

Gene: LAMB3 (laminin subunit beta 3; minus strand). Cytogenetic location: 1q32.2.
Variant type: Deletion.
Coding change: c.378del on transcript NM_000228.3 (MANE Select); coding-DNA position 378, one base deleted (C; older notation c.378delC).
Protein change: p.Met127fs; shifts the reading frame from methionine 127.
Molecular consequence: frameshift variant.
Genome position (GRCh38, 1-based): chr1:209,634,633, G deleted on the plus strand (C on the coding strand, the reverse complement: LAMB3 is on the minus strand); the first of 3 consecutive G bases (chr1:209,634,633-209,634,635); deleting any one gives the same sequence. VCF-style (leftmost placement, unchanged base first): chr1-209634632-TG-T. GRCh37 (hg19) VCF-style: chr1-209807977-TG-T.
Other names: c.378del, p.Met127fs (NM_001017402.2, NM_001127641.1); short protein forms M127fs.
Identifiers: ClinVar variation 1726714 (VCV001726714.3), dbSNP rs2464880797, ClinGen allele CA2580061980.